The following is an entry in ClinVar:

NM_139276.3(STAT3):c.406G>T (p.Val136Leu)

Gene: STAT3 (signal transducer and activator of transcription 3; minus strand). Cytogenetic location: 17q21.2.
Variant type: single nucleotide variant.
Coding change: c.406G>T on transcript NM_139276.3 (MANE Select); coding-DNA position 406, G replaced by T.
Protein change: p.Val136Leu; replaces valine 136 with leucine.
Molecular consequence: missense variant. On other transcripts: intron variant (1).
Genome position (GRCh38, 1-based): chr17:42,339,376, C>A on the plus strand (G>T on the coding strand, the complement: STAT3 is on the minus strand). VCF-style: chr17-42339376-C-A. GRCh37 (hg19) VCF-style: chr17-40491394-C-A.
Other names: c.406G>T, p.Val136Leu (NM_001369512.1, NM_001369513.1, NM_001369514.1 and 15 more transcripts); c.328G>T, p.Val110Leu (NM_001384985.1); c.373-564G>T (NM_001384989.1); short protein forms V136L, V110L.
Identifiers: ClinVar variation 1044262 (VCV001044262.9), dbSNP rs1008624238, ClinGen allele CA399595159.

ClinVar aggregate classification (germline): Uncertain significance (1 of 4 stars; one submission).

Conditions:
STAT3 gain of function. Identifiers: MedGen C4288261.
Hyper-IgE recurrent infection syndrome 1, autosomal dominant. Also called: JOB SYNDROME; STAT3 Hyper IgE Syndrome; Job's Syndrome; Hyper-IgE recurrent infection syndrome 1; HYPER-IgE SYNDROME 1, AUTOSOMAL DOMINANT, WITH RECURRENT INFECTIONS. Identifiers: Orphanet 2314, MedGen C2936739, MONDO:0007818, OMIM 147060.

gnomAD v4.1: 5 of 1,614,140 alleles (0.00031%); highest among the groups gnomAD compares: Admixed American, 0.0033%; no homozygotes.

Submission:

Labcorp Genetics (formerly Invitae), Labcorp
Classification: Uncertain significance for STAT3 gain of function; Hyper-IgE recurrent infection syndrome 1, autosomal dominant. Last evaluated: 2020-03-10. Review status: criteria provided, single submitter. Criteria: Invitae Variant Classification Sherloc (09022015). Collection method: clinical testing. Allele origin: germline.
Comment: This sequence change replaces valine with leucine at codon 136 of the STAT3 protein (p.Val136Leu). The valine residue is moderately conserved and there is a small physicochemical difference between valine and leucine. This variant is not present in population databases (ExAC no frequency). This variant has not been reported in the literature in individuals with STAT3-related conditions. Algorithms developed to predict the effect of missense changes on protein structure and function (SIFT, PolyPhen-2, Align-GVGD) all suggest that this variant is likely to be tolerated, but these predictions have not been confirmed by published functional studies and their clinical significance is uncertain. In summary, the available evidence is currently insufficient to determine the role of this variant in disease. Therefore, it has been classified as a Variant of Uncertain Significance.